The following is an entry in ClinVar:

ClinVar aggregate classification (germline): Pathogenic (1 of 4 stars; one submission).

Conditions:
Lymphatic malformation 6 (LMPHM6). Also called: GENERALIZED LYMPHATIC DYSPLASIA OF FOTIOU; Lymphedema, hereditary, III; PIEZO1-related generalized lymphatic dysplasia with non-immune hydrops fetalis. Identifiers: Orphanet 568062, MedGen C4225184, MONDO:0014797, OMIM 616843.

Submission:

3billion
Classification: Pathogenic for Lymphatic malformation 6. Last evaluated: 2024-11-15. Review status: criteria provided, single submitter. Criteria: ACMG Guidelines, 2015. Collection method: clinical testing. Allele origin: germline. Affected: yes.
Comment: The variant is not observed in the gnomAD v4.1.0 dataset. Predicted Consequence/Location: Canonical splice site: predicted to alter splicing and result in a loss or disruption of normal protein function. Multiple pathogenic loss-of-function variants are reported downstream of the variant. In silico tools predict the variant to alter splicing and produce an abnormal transcript [SpliceAI: 0.99 (spliceogenicity >=0.2, non-spliceogenicity <0.1)]. The variant has been reported to be associated with PIEZO1 related disorder (ClinVar ID: VCV002444346 /3billion dataset). Therefore, this variant is classified as Pathogenic according to the recommendation of ACMG/AMP guideline.

NM_001142864.4(PIEZO1):c.4058+1G>C

Gene: PIEZO1 (piezo type mechanosensitive ion channel component 1 (Er blood group); minus strand). Cytogenetic location: 16q24.3.
Variant type: single nucleotide variant.
Coding change: c.4058+1G>C on transcript NM_001142864.4 (MANE Select); the canonical splice donor site of the intron after coding-DNA position 4058, G replaced by C.
Molecular consequence: splice donor variant.
Genome position (GRCh38, 1-based): chr16:88,725,594, C>G on the plus strand (G>C on the coding strand, the complement: PIEZO1 is on the minus strand). VCF-style: chr16-88725594-C-G. GRCh37 (hg19) VCF-style: chr16-88792002-C-G.
Identifiers: ClinVar variation 2444346 (VCV002444346.2), dbSNP rs2507869911, ClinGen allele CA397100747.
Genomic context (GRCh38, chr16:88,725,594, plus strand): 5'-GGTGGGGTATGCTGAGCATTGGGGGGAGGAGCCGGGGAGTCCCCGCCCCAGAGGCACCTA[C>G]TGTCTTTTCAGCTGGGCCAGGGACTTCTCCTCTATCCTGCGGTGAAAGTCAATGCTCTTG-3'